The following is an entry in ClinVar:

ClinVar aggregate classification (germline): Uncertain significance (1 of 4 stars; one submission).

Submission:

GeneDx
Classification: Uncertain significance. Last evaluated: 2024-08-09. Review status: criteria provided, single submitter. Criteria: GeneDx Variant Classification Process June 2021. Collection method: clinical testing. Allele origin: germline. Affected: yes.
Comment: Not observed at significant frequency in large population cohorts (gnomAD); In silico analysis indicates that this missense variant does not alter protein structure/function; Has not been previously published as pathogenic or benign to our knowledge

NM_020719.3(PRR12):c.1205G>C (p.Gly402Ala)

Gene: PRR12 (proline rich 12; plus strand). Cytogenetic location: 19q13.33.
Variant type: single nucleotide variant.
Coding change: c.1205G>C on transcript NM_020719.3 (MANE Select); coding-DNA position 1205, G replaced by C.
Protein change: p.Gly402Ala; replaces glycine 402 with alanine.
Molecular consequence: missense variant.
Genome position (GRCh38, 1-based): chr19:49,595,540, G>C. VCF-style: chr19-49595540-G-C. GRCh37 (hg19) VCF-style: chr19-50098797-G-C.
Other names: short protein forms G402A.
Identifiers: ClinVar variation 3602892 (VCV003602892.1).